The following is an entry in ClinVar:

ClinVar aggregate classification (germline): Uncertain significance (1 of 4 stars; one submission).

Conditions:
Chédiak-Higashi syndrome (CHS). Also called: Chediak-Higashi Syndrome. Identifiers: Orphanet 167, MedGen C0007965, MONDO:0008963, OMIM 214500.

Allele frequency attached by ClinVar (database versions not stated): TOPMed below 0.00001.
gnomAD v4.1: 2 of 1,613,644 alleles (0.00012%); no homozygotes.

Submission:

Labcorp Genetics (formerly Invitae), Labcorp
Classification: Uncertain significance for Chédiak-Higashi syndrome. Last evaluated: 2024-12-31. Review status: criteria provided, single submitter. Criteria: Invitae Variant Classification Sherloc (09022015). Collection method: clinical testing. Allele origin: germline.
Comment: This sequence change replaces threonine, which is neutral and polar, with isoleucine, which is neutral and non-polar, at codon 780 of the LYST protein (p.Thr780Ile). This variant is not present in population databases (gnomAD no frequency). This variant has not been reported in the literature in individuals affected with LYST-related conditions. ClinVar contains an entry for this variant (Variation ID: 935135). Invitae Evidence Modeling of protein sequence and biophysical properties (such as structural, functional, and spatial information, amino acid conservation, physicochemical variation, residue mobility, and thermodynamic stability) indicates that this missense variant is not expected to disrupt LYST protein function with a negative predictive value of 80%. In summary, the available evidence is currently insufficient to determine the role of this variant in disease. Therefore, it has been classified as a Variant of Uncertain Significance.

NM_000081.4(LYST):c.2339C>T (p.Thr780Ile)

Gene: LYST (lysosomal trafficking regulator; minus strand). Cytogenetic location: 1q42.3.
Variant type: single nucleotide variant.
Coding change: c.2339C>T on transcript NM_000081.4 (MANE Select); coding-DNA position 2339, C replaced by T.
Protein change: p.Thr780Ile; replaces threonine 780 with isoleucine.
Molecular consequence: missense variant.
Genome position (GRCh38, 1-based): chr1:235,808,479, G>A on the plus strand (C>T on the coding strand, the complement: LYST is on the minus strand). VCF-style: chr1-235808479-G-A. GRCh37 (hg19) VCF-style: chr1-235971779-G-A.
Other names: c.2339C>T, p.Thr780Ile (NM_001301365.1); short protein forms T780I.
Identifiers: ClinVar variation 935135 (VCV000935135.5), dbSNP rs1673111385, ClinGen allele CA344958523.
Genomic context (GRCh38, chr1:235,808,479, plus strand): 5'-ACCCCCGCCCCCGCCGCCACCCACACACATACAAACCTGGATTTAAGCAGGATAGGCAGA[G>A]TTTTTACATAAATCTGAAGCACGTCCTGAGGCAAGCACTGGTTATGATGGCTACATACAT-3'
Protein context (NP_000072.2, residues 770-790): PQDVLQIYVK[Thr780Ile]LPILLKSRVI